The following is an entry in ClinVar:

ClinVar aggregate classification (germline): Pathogenic. Review status: reviewed by expert panel (3 of 4 stars). 4 submissions from 4 submitters: Pathogenic (1). 3 of the submissions do not count toward it. Last evaluated 2016-10-18.

Conditions:
Breast-ovarian cancer, familial, susceptibility to, 2 (BROVCA2). Also called: BRCA2 Hereditary Breast and Ovarian Cancer. Identifiers: Orphanet 145, MedGen C2675520, MONDO:0012933, OMIM 612555. Disease mechanism: loss of function.
Hereditary cancer-predisposing syndrome. Also called: Hereditary neoplastic syndrome; Neoplastic Syndromes, Hereditary; Tumor predisposition; Hereditary Cancer Syndrome. Identifiers: Orphanet 140162, MedGen C0027672, MeSH D009386, MONDO:0015356.
Hereditary breast ovarian cancer syndrome. Also called: BRCA1- and BRCA2-Associated Hereditary Breast and Ovarian Cancer; Hereditary breast and ovarian cancer; Breast and ovarian cancer; Hereditary breast and/or ovarian cancer syndrome; Hereditary breast and ovarian cancer syndrome; Hereditary breast and ovarian cancer syndrome (HBOC). Identifiers: Orphanet 145, MedGen C0677776, MeSH D061325, MONDO:0003582. Disease mechanism: loss of function.

Submissions (4):

Evidence-based Network for the Interpretation of Germline Mutant Alleles (ENIGMA)
Classification: Pathogenic for Breast-ovarian cancer, familial, susceptibility to, 2. Last evaluated: 2016-10-18. Review status: reviewed by expert panel. Criteria: ENIGMA BRCA1/2 Classification Criteria (2015). Collection method: curation. Allele origin: germline.
Comment: Variant allele predicted to encode a truncated non-functional protein.

Labcorp Genetics (formerly Invitae), Labcorp
Classification: Pathogenic for Hereditary breast ovarian cancer syndrome. Last evaluated: 2024-03-02. Review status: criteria provided, single submitter. Criteria: Invitae Variant Classification Sherloc (09022015). Collection method: clinical testing. Allele origin: germline. Not counted in ClinVar's aggregate classification.
Comment: This sequence change creates a premature translational stop signal (p.Asn243Lysfs*2) in the BRCA2 gene. It is expected to result in an absent or disrupted protein product. Loss-of-function variants in BRCA2 are known to be pathogenic (PMID: 20104584). This variant is not present in population databases (gnomAD no frequency). This variant has not been reported in the literature in individuals affected with BRCA2-related conditions. ClinVar contains an entry for this variant (Variation ID: 266998). For these reasons, this variant has been classified as Pathogenic.

Ambry Genetics
Classification: Pathogenic for Hereditary cancer-predisposing syndrome. Last evaluated: 2016-08-19. Review status: criteria provided, single submitter. Criteria: Ambry Variant Classification Scheme 2023. Collection method: clinical testing. Allele origin: germline. Not counted in ClinVar's aggregate classification.
Comment: The c.728dupA pathogenic mutation, located in coding exon 8 of the BRCA2 gene, results from a duplication of A at nucleotide position 728, causing a translational frameshift with a predicted alternate stop codon. This alteration is expected to result in loss of function by premature protein truncation or nonsense-mediated mRNA decay. As such, this alteration is interpreted as a disease-causing mutation.

Consortium of Investigators of Modifiers of BRCA1/2 (CIMBA), c/o University of Cambridge
Classification: Pathogenic for Breast-ovarian cancer, familial, susceptibility to, 2. Last evaluated: 2015-10-02. Review status: criteria provided, single submitter. Criteria: CIMBA Mutation Classification guidelines May 2016. Collection method: clinical testing. Allele origin: germline. Not counted in ClinVar's aggregate classification.

Literature cited by the submitters: PubMed 20104584 (cited by Labcorp Genetics (formerly Invitae), Labcorp).

NM_000059.4(BRCA2):c.728dup (p.Asn243fs)

Gene: BRCA2 (BRCA2 DNA repair associated; plus strand). Cytogenetic location: 13q13.1.
Variant type: Duplication.
Coding change: c.728dup on transcript NM_000059.4 (MANE Select); coding-DNA position 728, one base duplicated (A; older notation c.728dupA).
Protein change: p.Asn243fs; shifts the reading frame from asparagine 243.
Molecular consequence: frameshift variant.
Genome position (GRCh38, 1-based): chr13:32,330,965, A duplicated; the last of 5 consecutive A bases (chr13:32,330,961-32,330,965); duplicating any one gives the same sequence. VCF-style (leftmost placement, unchanged base first): chr13-32330960-G-GA. GRCh37 (hg19) VCF-style: chr13-32905097-G-GA.
Other names: 956_957insA; c.728dupA (NM_000059.3); short protein forms N243fs.
Identifiers: ClinVar variation 266998 (VCV000266998.9), dbSNP rs886040697, ClinGen allele CA10589044.